The following is an entry in ClinVar:

NM_000046.5(ARSB):c.44C>T (p.Pro15Leu)

Genes: ARSB (arylsulfatase B; minus strand), LOC129994126 (ATAC-STARR-seq lymphoblastoid silent region 16127; plus strand). Cytogenetic location: 5q14.1.
Variant type: single nucleotide variant.
Coding change: c.44C>T on transcript NM_000046.5 (MANE Select); coding-DNA position 44, C replaced by T.
Protein change: p.Pro15Leu; replaces proline 15 with leucine.
Molecular consequence: missense variant.
Genome position (GRCh38, 1-based): chr5:78,985,205, G>A on the plus strand (C>T on the coding strand, the complement: ARSB is on the minus strand). VCF-style: chr5-78985205-G-A. GRCh37 (hg19) VCF-style: chr5-78281028-G-A.
Other names: c.44C>T, p.Pro15Leu (NM_198709.3); short protein forms P15L.
Identifiers: ClinVar variation 2202044 (VCV002202044.1), dbSNP rs758753393, ClinGen allele CA3318371.

ClinVar aggregate classification (germline): Uncertain significance (1 of 4 stars; one submission).

Conditions:
Mucopolysaccharidosis type 6 (MPS6). Also called: MPS 6; Maroteaux Lamy syndrome; MPS VI; ARSB DEFICIENCY; ARYLSULFATASE B DEFICIENCY; N-ACETYLGALACTOSAMINE-4-SULFATASE DEFICIENCY. Identifiers: Orphanet 583, MedGen C0026709, MONDO:0009661, OMIM 253200.

Allele frequency attached by ClinVar (database versions not stated): gnomAD 0.00001; gnomAD exomes 0.00001; TOPMed 0.00002.
gnomAD v4.1: 10 of 1,372,804 alleles (0.00073%); highest among the groups gnomAD compares: South Asian, 0.0035%; no homozygotes.

Submission:

Labcorp Genetics (formerly Invitae), Labcorp
Classification: Uncertain significance for Mucopolysaccharidosis type 6. Last evaluated: 2022-07-08. Review status: criteria provided, single submitter. Criteria: Invitae Variant Classification Sherloc (09022015). Collection method: clinical testing. Allele origin: germline.
Comment: This sequence change replaces proline, which is neutral and non-polar, with leucine, which is neutral and non-polar, at codon 15 of the ARSB protein (p.Pro15Leu). The frequency data for this variant in the population databases is considered unreliable, as metrics indicate poor data quality at this position in the gnomAD database. This variant has not been reported in the literature in individuals affected with ARSB-related conditions. Algorithms developed to predict the effect of missense changes on protein structure and function output the following: SIFT: "Tolerated"; PolyPhen-2: "Not Available"; Align-GVGD: "Class C0". The leucine amino acid residue is found in multiple mammalian species, which suggests that this missense change does not adversely affect protein function. In summary, the available evidence is currently insufficient to determine the role of this variant in disease. Therefore, it has been classified as a Variant of Uncertain Significance.